The following is an entry in ClinVar:

ClinVar aggregate classification (germline): Conflicting classifications of pathogenicity. Review status: criteria provided, conflicting classifications (1 of 4 stars). 3 submissions from 3 submitters: Uncertain significance (1); Likely benign (2). Last evaluated 2025-06-01.

Conditions:
Cone dystrophy with supernormal rod response (CDSRR). Also called: CONE DYSTROPHY WITH SUPERNORMAL ROD RESPONSES. Identifiers: Orphanet 209932, MedGen C1835897, MONDO:0012475, OMIM 610356.

Allele frequency attached by ClinVar (database versions not stated): gnomAD exomes below 0.00001 and 0.00001; TOPMed below 0.00001; ExAC 0.00001; gnomAD 0.00001.
gnomAD v4.1: 14 of 1,614,058 alleles (0.00087%); highest among the groups gnomAD compares: East Asian, 0.0022%; no homozygotes.

Submissions (3):

CeGaT Center for Human Genetics Tuebingen
Classification: Likely benign. Last evaluated: 2025-06-01. Review status: criteria provided, single submitter. Criteria: CeGaT Center For Human Genetics Tuebingen Variant Classification Criteria Version 2. Collection method: clinical testing. Allele origin: germline. Affected: yes. Observed: 1 variant allele.
Comment: KCNV2: BP4, BP7

Labcorp Genetics (formerly Invitae), Labcorp
Classification: Likely benign. Last evaluated: 2023-06-25. Review status: criteria provided, single submitter. Criteria: Invitae Variant Classification Sherloc (09022015). Collection method: clinical testing. Allele origin: germline.

Illumina Laboratory Services, Illumina
Classification: Uncertain significance for Cone dystrophy with supernormal rod response. Last evaluated: 2018-01-13. Review status: criteria provided, single submitter. Criteria: ICSL Variant Classification Criteria 13 December 2019. Collection method: clinical testing. Allele origin: germline.

NM_133497.4(KCNV2):c.132C>T (p.His44=)

Gene: KCNV2 (potassium voltage-gated channel modifier subfamily V member 2; plus strand). Cytogenetic location: 9p24.2.
Variant type: single nucleotide variant.
Coding change: c.132C>T on transcript NM_133497.4 (MANE Select); coding-DNA position 132, C replaced by T.
Protein change: p.His44=; no amino-acid change (histidine 44 retained).
Molecular consequence: synonymous variant.
Genome position (GRCh38, 1-based): chr9:2,717,871, C>T. VCF-style: chr9-2717871-C-T. GRCh37 (hg19) VCF-style: chr9-2717871-C-T.
Identifiers: ClinVar variation 366410 (VCV000366410.19), dbSNP rs767774622, ClinGen allele CA4965323.
Genomic context (GRCh38, chr9:2,717,871, plus strand): 5'-CCAACACCGCAGGAGCATTTGCTCCCTGGGTGCCCGTTCCGGCTCCCAGGCCAGCATCCA[C>T]GGCTGGACAGAGGGCAACTATAACTACTACATCGAGGAAGACGAAGACGGCGAGGAGGAG-3'
Protein context (NP_598004.1, residues 34-54): GARSGSQASI[His44=]GWTEGNYNYY